The following is an entry in ClinVar:

ClinVar aggregate classification (germline): Uncertain significance (1 of 4 stars; one submission).

Submission:

Labcorp Genetics (formerly Invitae), Labcorp
Classification: Uncertain significance. Last evaluated: 2022-07-15. Review status: criteria provided, single submitter. Criteria: Invitae Variant Classification Sherloc (09022015). Collection method: clinical testing. Allele origin: germline.
Comment: In summary, the available evidence is currently insufficient to determine the role of this variant in disease. Therefore, it has been classified as a Variant of Uncertain Significance. Algorithms developed to predict the effect of missense changes on protein structure and function (SIFT, PolyPhen-2, Align-GVGD) all suggest that this variant is likely to be tolerated. This variant has not been reported in the literature in individuals affected with APC2-related conditions. This variant is not present in population databases (gnomAD no frequency). This sequence change replaces glycine, which is neutral and non-polar, with arginine, which is basic and polar, at codon 1424 of the APC2 protein (p.Gly1424Arg).

NM_005883.3(APC2):c.4270G>C (p.Gly1424Arg)

Gene: APC2 (APC regulator of Wnt signaling pathway 2; plus strand). Cytogenetic location: 19p13.3.
Variant type: single nucleotide variant.
Coding change: c.4270G>C on transcript NM_005883.3 (MANE Select); coding-DNA position 4270, G replaced by C.
Protein change: p.Gly1424Arg; replaces glycine 1424 with arginine.
Molecular consequence: missense variant.
Genome position (GRCh38, 1-based): chr19:1,467,571, G>C. VCF-style: chr19-1467571-G-C. GRCh37 (hg19) VCF-style: chr19-1467570-G-C.
Other names: c.4267G>C, p.Gly1423Arg (NM_001351273.1); short protein forms G1424R, G1423R.
Identifiers: ClinVar variation 2013597 (VCV002013597.4), dbSNP rs2512530515, ClinGen allele CA403035166.